The following is an entry in ClinVar:

ClinVar aggregate classification (germline): Conflicting classifications of pathogenicity. Review status: criteria provided, conflicting classifications (1 of 4 stars). 10 submissions from 10 submitters: Uncertain significance (8); Likely benign (2). Last evaluated 2026-04-29.

Conditions:
WFS1-related disorder. Identifiers: MedGen CN379391, MONDO:0700293.
Monogenic diabetes. Identifiers: Orphanet 183625, MedGen C3888631, MONDO:0015967.
Inborn genetic diseases. Identifiers: MedGen C0950123, MeSH D030342.
Wolfram syndrome 1 (WFS1). Identifiers: Orphanet 3463, MedGen C4551693, MONDO:0009101, OMIM 222300.

Allele frequency attached by ClinVar (database versions not stated): ExAC 0.00006; ESP Exome Variant Server 0.00015; gnomAD 0.00027 and 0.00029; TOPMed 0.00029; 1000 Genomes Project 30x 0.00031; 1000 Genomes Project 0.00040.
gnomAD v4.1: 118 of 1,608,704 alleles (0.0073%); highest among the groups gnomAD compares: African/African-American, 0.12%; no homozygotes.

Submissions (10):

PreventionGenetics, part of Exact Sciences
Classification: Uncertain significance for WFS1-related condition. Last evaluated: 2026-04-29. Review status: criteria provided, single submitter. Criteria: ACMG Guidelines, 2015. Collection method: clinical testing. Allele origin: germline.
Comment: The WFS1 c.325C>T variant is predicted to result in the amino acid substitution p.His109Tyr. To our knowledge, this variant has not been reported in the literature. This variant is reported in 0.093% of alleles in individuals of African descent in gnomAD. Although we suspect that this variant may be benign, at this time, the clinical significance of this variant is uncertain due to the absence of conclusive functional and genetic evidence.

Labcorp Genetics (formerly Invitae), Labcorp
Classification: Likely benign. Last evaluated: 2025-10-14. Review status: criteria provided, single submitter. Criteria: Invitae Variant Classification Sherloc (09022015). Collection method: clinical testing. Allele origin: germline.

Blueprint Genetics
Classification: Uncertain significance. Last evaluated: 2024-10-16. Review status: criteria provided, single submitter. Criteria: ACMG Guidelines, 2015. Collection method: clinical testing. Allele origin: germline.

Ambry Genetics
Classification: Uncertain significance for Inborn genetic diseases. Last evaluated: 2021-09-13. Review status: criteria provided, single submitter. Criteria: Ambry Variant Classification Scheme 2023. Collection method: clinical testing. Allele origin: germline.
Comment: Unlikely to be causative of autosomal dominant WFS1-related Wolfram syndrome (AD) Based on insufficient or conflicting evidence, the clinical significance of this alteration remains unclear.

GeneDx
Classification: Likely benign. Last evaluated: 2020-08-31. Review status: criteria provided, single submitter. Criteria: GeneDx Variant Classification Process June 2021. Collection method: clinical testing. Allele origin: germline. Affected: yes.
Comment: This variant is associated with the following publications: (PMID: 12955714)

CeGaT Center for Human Genetics Tuebingen
Classification: Uncertain significance. Last evaluated: 2019-05-01. Review status: criteria provided, single submitter. Criteria: CeGaT Center For Human Genetics Tuebingen Variant Classification Criteria Version 2. Collection method: clinical testing. Allele origin: germline. Affected: yes. Observed: 1 variant allele.

Personalized Diabetes Medicine Program, University of Maryland School of Medicine
Classification: Uncertain significance for Monogenic diabetes. Last evaluated: 2017-06-01. Review status: criteria provided, single submitter. Criteria: ACMG Guidelines, 2015. Collection method: research. Allele origin: unknown. Observed: 1 variant allele, 1 heterozygote. Study: Personalized Diabetes Medicine Program.
Comment: ACMG Criteria:PP3 (6 predictors), BP4 (3 predictors)

Eurofins Ntd Llc (ga)
Classification: Uncertain significance. Last evaluated: 2017-04-17. Review status: criteria provided, single submitter. Criteria: EGL Classification Definitions 2015. Collection method: clinical testing. Allele origin: germline. Observed: 1 variant allele, 1 heterozygote.

Laboratory for Molecular Medicine, Mass General Brigham Personalized Medicine
Classification: Uncertain significance. Last evaluated: 2013-10-17. Review status: criteria provided, single submitter. Criteria: LMM Criteria. Collection method: clinical testing. Allele origin: germline. Observed: 1 variant allele.
Comment: Variant classified as Uncertain Significance - Favor Benign. The His109Tyr varia nt in WFS1 has not been reported in individuals with hearing loss, but has been identified in 1.0% (2/192) Luhya West African chromosomes by the 1000 Genomes Pr oject and in 0.04% (2/4402) of African American chromosomes by the NHLBI Exome S equencing Project (dbSNP rs112871383). Compu tational analyses (biochemical amino acid properties, conservation, AlignGVGD, P olyPhen2, and SIFT) suggest that the His109Tyr variant may not impact the protei n, though this information is not predictive enough to rule out pathogenicity. I n summary, the clinical significance of this variant cannot be determined with c ertainty; however based upon its presence in the general population and the comp utational data, we would lean towards a more likely benign role.

Clinical Genomics, Uppaluri K&H Personalized Medicine Clinic
Classification: Uncertain significance for Wolfram syndrome 1. Review status: criteria provided, single submitter. Criteria: K & H Uppaluri Personalized Medicine Clinic Variant Classification & Assertion Criteria_Updated V.1. Collection method: research. Allele origin: unknown. Inheritance: Autosomal recessive inheritance.
Comment: Potent mutations in WFS1 gene are associated with Wolfram's syndrome, an autosomal recessive condition, which cause diabetes mellitus, diabetes insipidus, deafness and optic atrophy. However no sufficient evidence is found to ascertain the role of this particular variant rs112871383 in Wolfram's syndrome yet.

Literature cited by the submitters: PubMed 20738327 (cited by Clinical Genomics, Uppaluri K&H Personalized Medicine Clinic); PubMed 33879153 (cited by Clinical Genomics, Uppaluri K&H Personalized Medicine Clinic); PubMed 12955714 (cited by Clinical Genomics, Uppaluri K&H Personalized Medicine Clinic); PubMed 18060660 (cited by Clinical Genomics, Uppaluri K&H Personalized Medicine Clinic); PubMed 20301750 (cited by Clinical Genomics, Uppaluri K&H Personalized Medicine Clinic); PubMed 17603484 (cited by Clinical Genomics, Uppaluri K&H Personalized Medicine Clinic).

NM_006005.3(WFS1):c.325C>T (p.His109Tyr)

Gene: WFS1 (wolframin ER transmembrane glycoprotein; plus strand). Cytogenetic location: 4p16.1.
Variant type: single nucleotide variant.
Coding change: c.325C>T on transcript NM_006005.3 (MANE Select); coding-DNA position 325, C replaced by T.
Protein change: p.His109Tyr; replaces histidine 109 with tyrosine.
Molecular consequence: missense variant.
Genome position (GRCh38, 1-based): chr4:6,288,996, C>T. VCF-style: chr4-6288996-C-T. GRCh37 (hg19) VCF-style: chr4-6290723-C-T.
Other names: c.325C>T, p.His109Tyr (NM_001145853.1); short protein forms H109Y.
Identifiers: ClinVar variation 166570 (VCV000166570.66), dbSNP rs112871383, ClinGen allele CA179631.
Genomic context (GRCh38, chr4:6,288,996, plus strand): 5'-GGGTGGGAGAGGGTCGGAGAATCTGGAGGCTGACTGGTGTCTGGCTTGCAGGTGGGGAAG[C>T]ACTACCTGCAGTTGGCCGGCGACACGGATGAAGAACTCAACAGCTGCACCGCTGTGGACT-3'
Protein context (NP_005996.2, residues 99-119): DPKAQTEVGK[His109Tyr]YLQLAGDTDE